The following is an entry in ClinVar:

NC_000015.9:g.(?_44941044)_(44944484_?)del

Gene: SPG11 (SPG11 vesicle trafficking associated, spatacsin; minus strand). Cytogenetic location: 15q21.1.
Variant type: Deletion.
Identifiers: ClinVar variation 2426925 (VCV002426925.2).

ClinVar aggregate classification (germline): Pathogenic (1 of 4 stars; one submission).

Conditions:
Hereditary spastic paraplegia 11. Also called: Nakamura Osame syndrome; Autosomal recessive hereditary spastic paraplegia, mental impairment, and thin corpus callosum; Spastic Paraplegia 11; Spastic paraplegia, mental retardation and thin corpus callosum; SPASTIC PARAPLEGIA, AUTOSOMAL RECESSIVE, COMPLICATED, WITH THIN CORPUS CALLOSUM; SPASTIC PARAPLEGIA, AUTOSOMAL RECESSIVE, WITH MENTAL IMPAIRMENT AND THIN CORPUS CALLOSUM. Identifiers: Orphanet 2822, MedGen C1858479, MONDO:0011445, OMIM 604360.

Submission:

Labcorp Genetics (formerly Invitae), Labcorp
Classification: Pathogenic for Hereditary spastic paraplegia 11. Last evaluated: 2021-08-12. Review status: criteria provided, single submitter. Criteria: Invitae Variant Classification Sherloc (09022015). Collection method: clinical testing. Allele origin: germline.
Comment: This variant is a gross deletion of the genomic region encompassing exon(s) 5-7 of the SPG11 gene. This deletion is out-of-frame, and is expected to create a premature termination codon and result in an absent or disrupted protein product. Loss-of-function variants in SPG11 are known to be pathogenic (PMID: 19105190, 20110243, 22154821, 26556829). This variant has not been reported in the literature in individuals affected with SPG11-related conditions. For these reasons, this variant has been classified as Pathogenic.

Literature cited by the submitters: PubMed 19105190; PubMed 20110243; PubMed 22154821; PubMed 26556829.